The following is an entry in ClinVar:

ClinVar aggregate classification (germline): Benign (1 of 4 stars; one submission).

Conditions:
X-linked lymphoproliferative disease due to XIAP deficiency. Also called: XIAP DEFICIENCY; XIAP-Related Lymphoproliferative Disease, X-Linked. Identifiers: Orphanet 2442, Orphanet 538934, MedGen C1845076, MONDO:0010385, OMIM 300635.

Allele frequency attached by ClinVar (database versions not stated): gnomAD exomes 0.00187 and 0.00507; ExAC 0.00679; gnomAD 0.01545 and 0.01629; 1000 Genomes Project 0.01616; TOPMed 0.01772.
gnomAD v4.1: 1,946 of 277,406 alleles (0.7%); highest among the groups gnomAD compares: African/African-American, 5.3%; 40 homozygotes.

Submission:

Illumina Laboratory Services, Illumina
Classification: Benign for X-linked lymphoproliferative disease due to XIAP deficiency. Last evaluated: 2017-04-27. Review status: criteria provided, single submitter. Criteria: ICSL Variant Classification Criteria 13 December 2019. Collection method: clinical testing. Allele origin: germline.
Comment: This variant was observed as part of a predisposition screen in an ostensibly healthy population. A literature search was performed for the gene, cDNA change, and amino acid change (where applicable). No publications were found based on this search. Allele frequency data from public databases was too high to be consistent with this variant causing disease. Therefore, this variant is classified as benign.

NM_001167.4(XIAP):c.*3611C>T

Gene: XIAP (X-linked inhibitor of apoptosis; plus strand). Cytogenetic location: Xq25.
Variant type: single nucleotide variant.
Coding change: c.*3611C>T on transcript NM_001167.4 (MANE Select); 3611 bases downstream of the stop codon, C replaced by T.
Molecular consequence: 3 prime UTR variant. On other transcripts: non-coding transcript variant (2).
Genome position (GRCh38, 1-based): chrX:123,910,792, C>T. VCF-style: chrX-123910792-C-T. GRCh37 (hg19) VCF-style: chrX-123044642-C-T.
Other names: c.*3611C>T (NM_001204401.2, NM_001378590.1, NM_001378591.1 and 1 more transcripts).
Identifiers: ClinVar variation 367824 (VCV000367824.5), dbSNP rs28382746, ClinGen allele CA10508316.